The following is an entry in ClinVar:

NM_017841.4(SDHAF2):c.110del (p.Gly37fs)

Gene: SDHAF2 (succinate dehydrogenase complex assembly factor 2; plus strand). Cytogenetic location: 11q12.2.
Variant type: Deletion.
Coding change: c.110del on transcript NM_017841.4 (MANE Select); coding-DNA position 110, one base deleted (G; older notation c.110delG).
Protein change: p.Gly37fs; shifts the reading frame from glycine 37.
Molecular consequence: frameshift variant.
Genome position (GRCh38, 1-based): chr11:61,437,698, G deleted; the last of 2 consecutive G bases (chr11:61,437,697-61,437,698); deleting either gives the same sequence. VCF-style (leftmost placement, unchanged base first): chr11-61437696-AG-A. GRCh37 (hg19) VCF-style: chr11-61205168-AG-A.
Other names: short protein forms G37fs.
Identifiers: ClinVar variation 4875247 (VCV004875247.2).

ClinVar aggregate classification (germline): Pathogenic (1 of 4 stars; one submission).

Submission:

CeGaT Center for Human Genetics Tuebingen
Classification: Pathogenic. Last evaluated: 2026-06-01. Review status: criteria provided, single submitter. Criteria: CeGaT Center For Human Genetics Tuebingen Variant Classification Criteria Version 2. Collection method: clinical testing. Allele origin: germline. Affected: yes. Observed: 1 variant allele.
Comment: SDHAF2: PVS1, PM2